The following is an entry in ClinVar:

ClinVar aggregate classification (germline): Uncertain significance (1 of 4 stars; one submission).

Conditions:
Neuropathy, hereditary sensory and autonomic, type 2A (HSAN2A). Also called: MORVAN DISEASE; NEUROPATHY, CONGENITAL SENSORY; NEUROPATHY, HEREDITARY SENSORY RADICULAR, AUTOSOMAL RECESSIVE; NEUROPATHY, HEREDITARY SENSORY, TYPE IIA; NEUROPATHY, PROGRESSIVE SENSORY, OF CHILDREN; ACROOSTEOLYSIS, GIACCAI TYPE. Identifiers: Orphanet 970, MedGen C2752089, MONDO:0024309, OMIM 201300.
Generalized epilepsy with febrile seizures plus, type 7 (GEFSP7). Also called: GEFS+, TYPE 7. Identifiers: Orphanet 36387, MedGen C2751778, MONDO:0013470, OMIM 613863.

Submission:

Labcorp Genetics (formerly Invitae), Labcorp
Classification: Uncertain significance for Neuropathy, hereditary sensory and autonomic, type 2A; Generalized epilepsy with febrile seizures plus, type 7. Last evaluated: 2025-01-11. Review status: criteria provided, single submitter. Criteria: Invitae Variant Classification Sherloc (09022015). Collection method: clinical testing. Allele origin: germline.
Comment: This sequence change replaces glutamic acid, which is acidic and polar, with alanine, which is neutral and non-polar, at codon 1878 of the SCN9A protein (p.Glu1878Ala). This variant is not present in population databases (gnomAD no frequency). This variant has not been reported in the literature in individuals affected with SCN9A-related conditions. Invitae Evidence Modeling of protein sequence and biophysical properties (such as structural, functional, and spatial information, amino acid conservation, physicochemical variation, residue mobility, and thermodynamic stability) has been performed for this missense variant. However, the output from this modeling did not meet the statistical confidence thresholds required to predict the impact of this variant on SCN9A protein function. In summary, the available evidence is currently insufficient to determine the role of this variant in disease. Therefore, it has been classified as a Variant of Uncertain Significance.

NM_001365536.1(SCN9A):c.5666A>C (p.Glu1889Ala)

Genes: SCN9A (sodium voltage-gated channel alpha subunit 9; minus strand), SCN1A-AS1 (SCN1A and SCN9A antisense RNA 1; plus strand). Cytogenetic location: 2q24.3.
Variant type: single nucleotide variant.
Coding change: c.5666A>C on transcript NM_001365536.1 (MANE Select); coding-DNA position 5666, A replaced by C.
Protein change: p.Glu1889Ala; replaces glutamic acid 1889 with alanine.
Molecular consequence: missense variant.
Genome position (GRCh38, 1-based): chr2:166,198,973, T>G on the plus strand (A>C on the coding strand, the complement: SCN9A is on the minus strand). VCF-style: chr2-166198973-T-G. GRCh37 (hg19) VCF-style: chr2-167055483-T-G.
Other names: c.5633A>C, p.Glu1878Ala (NM_002977.4); short protein forms E1878A, E1889A.
Identifiers: ClinVar variation 3749837 (VCV003749837.2).